The following is an entry in ClinVar:

ClinVar aggregate classification (germline): Uncertain significance (1 of 4 stars; one submission).

Submission:

GeneDx
Classification: Uncertain significance. Last evaluated: 2026-04-16. Review status: criteria provided, single submitter. Criteria: GeneDx Variant Classification Process June 2021. Collection method: clinical testing. Allele origin: germline.
Comment: Not observed at significant frequency in large population cohorts (gnomAD); In silico analysis supports that this missense variant has a deleterious effect on protein structure/function; Has not been previously published as pathogenic or benign to our knowledge

NM_078629.4(MSL3):c.682A>G (p.Arg228Gly)

Gene: MSL3 (MSL complex subunit 3; plus strand). Cytogenetic location: Xp22.2.
Variant type: single nucleotide variant.
Coding change: c.682A>G on transcript NM_078629.4 (MANE Select); coding-DNA position 682, A replaced by G.
Protein change: p.Arg228Gly; replaces arginine 228 with glycine.
Molecular consequence: missense variant.
Genome position (GRCh38, 1-based): chrX:11,762,930, A>G. VCF-style: chrX-11762930-A-G. GRCh37 (hg19) VCF-style: chrX-11781049-A-G.
Other names: c.646A>G, p.Arg216Gly (NM_001193270.2); c.235A>G, p.Arg79Gly (NM_001282174.1); c.184A>G, p.Arg62Gly (NM_006800.4); c.682A>G, p.Arg228Gly (NM_078628.2); short protein forms R216G, R228G, R62G, R79G.
Identifiers: ClinVar variation 4538618 (VCV004538618.2).